The following is an entry in ClinVar:

NM_022114.4(PRDM16):c.1725C>G (p.Pro575=)

Gene: PRDM16 (PR/SET domain 16; plus strand). Cytogenetic location: 1p36.32.
Variant type: single nucleotide variant.
Coding change: c.1725C>G on transcript NM_022114.4 (MANE Select); coding-DNA position 1725, C replaced by G.
Protein change: p.Pro575=; no amino-acid change (proline 575 retained).
Molecular consequence: synonymous variant.
Genome position (GRCh38, 1-based): chr1:3,411,922, C>G. VCF-style: chr1-3411922-C-G. GRCh37 (hg19) VCF-style: chr1-3328486-C-G.
Other names: c.1725C>G, p.Pro575= (NM_199454.3).
Identifiers: ClinVar variation 3057987 (VCV003057987.2), dbSNP rs753442334, ClinGen allele CA415778622.

ClinVar aggregate classification (germline): Likely benign (0 of 4 stars; one submission).

Conditions:
PRDM16-related disorder. Also called: PRDM16-related condition.

gnomAD v4.1: 1 of 1,613,716 alleles (0.000062%); highest among the groups gnomAD compares: South Asian, 0.0011%; no homozygotes.

Submission:

PreventionGenetics, part of Exact Sciences
Classification: Likely benign for PRDM16-related condition. Last evaluated: 2019-02-28. Review status: no assertion criteria provided. Collection method: clinical testing. Allele origin: germline.
Comment: This variant is classified as likely benign based on ACMG/AMP sequence variant interpretation guidelines (Richards et al. 2015 PMID: 25741868, with internal and published modifications).